The following is an entry in ClinVar:

NC_012920.1(MT-ATP6):m.9188A>G

Gene: MT-ATP6 (mitochondrially encoded ATP synthase 6; plus strand).
Variant type: single nucleotide variant.
Genome position: chrM-9188-A-G.
Identifiers: ClinVar variation 693120 (VCV000693120.1), dbSNP rs1603222161, ClinGen allele CA414802382.

ClinVar aggregate classification (germline): Uncertain significance (1 of 4 stars; one submission).

Conditions:
Leigh syndrome (NULS). Also called: Leigh's necrotizing encephalopathy; Leigh's disease; Leigh Syndrome (mtDNA deletion); Leigh Disease; Subacute necrotizing encephalopathy; Necrotizing encephalopathy infantile subacute of Leigh. Identifiers: Orphanet 506, MedGen C2931891, MONDO:0009723, OMIM 256000.

Submission:

Wong Mito Lab, Molecular and Human Genetics, Baylor College of Medicine
Classification: Uncertain significance for Leigh syndrome. Last evaluated: 2019-10-17. Review status: criteria provided, single submitter. Criteria: Modified ACMG Guidelines (Unpublished). Collection method: clinical testing. Allele origin: germline.
Comment: The NC_012920.1:m.9188A>G (YP_003024031.1:p.Tyr221Cys) variant in MTATP6 gene is interpretated to be a Uncertain Significance variant based on the modified ACMG guidelines (unpublished). This variant meets the following evidence codes: PP3